The following is an entry in ClinVar:

NM_001378615.1(CC2D2A):c.258A>G (p.Pro86=)

Genes: CC2D2A (coiled-coil and C2 domain containing 2A; plus strand), FBXL5 (F-box and leucine rich repeat protein 5; minus strand). Cytogenetic location: 4p15.32.
Variant type: single nucleotide variant.
Coding change: c.258A>G on transcript NM_001378615.1 (MANE Select); coding-DNA position 258, A replaced by G.
Protein change: p.Pro86=; no amino-acid change (proline 86 retained).
Molecular consequence: synonymous variant.
Genome position (GRCh38, 1-based): chr4:15,502,439, A>G. VCF-style: chr4-15502439-A-G. GRCh37 (hg19) VCF-style: chr4-15504062-A-G.
Other names: c.258A>G, p.Pro86= (NM_001080522.2); c.111A>G, p.Pro37= (NM_001378617.1).
Identifiers: ClinVar variation 900906 (VCV000900906.37), dbSNP rs199909714, ClinGen allele CA2863354.

ClinVar aggregate classification (germline): Conflicting classifications of pathogenicity. Review status: criteria provided, conflicting classifications (1 of 4 stars). 5 submissions from 4 submitters: Uncertain significance (2); Likely benign (3). Last evaluated 2026-01-09.

Conditions:
Meckel-Gruber syndrome. Also called: Dysencephalia splachnocystica; DYSENCEPHALIA SPLANCHNOCYSTICA; GRUBER SYNDROME. Identifiers: Orphanet 564, MedGen C0265215, MONDO:0018921.
Joubert syndrome. Also called: Familial aplasia of the vermis; JOUBERT-BOLTSHAUSER SYNDROME. Identifiers: Orphanet 475, MedGen C5979921, MONDO:0018772.
Meckel syndrome, type 6. Identifiers: Orphanet 564, MedGen C2676790, MONDO:0012848, OMIM 612284.
Joubert syndrome 9 (JBTS9). Identifiers: Orphanet 2318, MedGen C2676788, MONDO:0012849, OMIM 612285.

Allele frequency attached by ClinVar (database versions not stated): gnomAD exomes 0.00003; TOPMed 0.00003; gnomAD 0.00005; ESP Exome Variant Server 0.00008.
gnomAD v4.1: 51 of 1,602,416 alleles (0.0032%); highest among the groups gnomAD compares: Non-Finnish European, 0.0041%; no homozygotes.

Submissions (5):

Labcorp Genetics (formerly Invitae), Labcorp
Classification: Likely benign for Joubert syndrome; Meckel-Gruber syndrome. Last evaluated: 2026-01-09. Review status: criteria provided, single submitter. Criteria: Invitae Variant Classification Sherloc (09022015). Collection method: clinical testing. Allele origin: germline.

CeGaT Center for Human Genetics Tuebingen
Classification: Likely benign. Last evaluated: 2024-06-01. Review status: criteria provided, single submitter. Criteria: CeGaT Center For Human Genetics Tuebingen Variant Classification Criteria Version 2. Collection method: clinical testing. Allele origin: germline. Affected: yes. Observed: 2 variant alleles.
Comment: CC2D2A: BP4, BP7

Blueprint Genetics
Classification: Likely benign. Last evaluated: 2024-02-27. Review status: criteria provided, single submitter. Criteria: ACMG Guidelines, 2015. Collection method: clinical testing. Allele origin: germline.

Illumina Laboratory Services, Illumina
Classification: Uncertain significance for Joubert syndrome 9. Last evaluated: 2018-03-30. Review status: criteria provided, single submitter. Criteria: ICSL Variant Classification Criteria 13 December 2019. Collection method: clinical testing. Allele origin: germline.

Illumina Laboratory Services, Illumina
Classification: Uncertain significance for Meckel syndrome, type 6. Last evaluated: 2018-03-30. Review status: criteria provided, single submitter. Criteria: ICSL Variant Classification Criteria 13 December 2019. Collection method: clinical testing. Allele origin: germline.